The following is an entry in ClinVar:

ClinVar aggregate classification (germline): Uncertain significance (1 of 4 stars; one submission).

Conditions:
DCHS1-related disorder. Also called: DCHS1-related condition.

gnomAD v4.1: 13 of 1,576,072 alleles (0.00082%); highest among the groups gnomAD compares: Non-Finnish European, 0.00069%; no homozygotes.

Submission:

PreventionGenetics, part of Exact Sciences
Classification: Uncertain significance for DCHS1-related condition. Last evaluated: 2026-05-22. Review status: criteria provided, single submitter. Criteria: ACMG Guidelines, 2015. Collection method: clinical testing. Allele origin: germline.
Comment: The DCHS1 c.3019G>A variant is predicted to result in the amino acid substitution p.Val1007Met. To our knowledge, this variant has not been reported in the literature. This variant is reported in 0.0061% of alleles in individuals of European (Non-Finnish) descent in gnomAD. At this time, the clinical significance of this variant is uncertain due to the absence of conclusive functional and genetic evidence.

NM_003737.4(DCHS1):c.3019G>A (p.Val1007Met)

Gene: DCHS1 (dachsous cadherin-related 1; minus strand). Cytogenetic location: 11p15.4.
Variant type: single nucleotide variant.
Coding change: c.3019G>A on transcript NM_003737.4 (MANE Select); coding-DNA position 3019, G replaced by A.
Protein change: p.Val1007Met; replaces valine 1007 with methionine.
Molecular consequence: missense variant.
Genome position (GRCh38, 1-based): chr11:6,632,493, C>T on the plus strand (G>A on the coding strand, the complement: DCHS1 is on the minus strand). VCF-style: chr11-6632493-C-T. GRCh37 (hg19) VCF-style: chr11-6653724-C-T.
Other names: short protein forms V1007M.
Identifiers: ClinVar variation 4988794 (VCV004988794.1).